The following is an entry in ClinVar:

ClinVar aggregate classification (germline): Uncertain significance (1 of 4 stars; one submission).

Allele frequency attached by ClinVar (database versions not stated): 1000 Genomes Project 0.00100; 1000 Genomes Project 30x 0.00156.
gnomAD v4.1: 195 of 1,425,656 alleles (0.014%); highest among the groups gnomAD compares: East Asian, 0.44%; no homozygotes.

Submission:

Labcorp Genetics (formerly Invitae), Labcorp
Classification: Uncertain significance. Last evaluated: 2023-06-10. Review status: criteria provided, single submitter. Criteria: Invitae Variant Classification Sherloc (09022015). Collection method: clinical testing. Allele origin: germline.
Comment: An algorithm developed to predict the effect of missense changes on protein structure and function (PolyPhen-2) suggests that this variant¬¨‚Ä†is likely to be tolerated. In summary, the available evidence is currently insufficient to determine the role of this variant in disease. Therefore, it has been classified as a Variant of Uncertain Significance. This variant has not been reported in the literature in individuals affected with SLC19A1-related conditions. The frequency data for this variant in the population databases is considered unreliable, as metrics indicate poor data quality at this position in the gnomAD database. This sequence change replaces aspartic acid, which is acidic and polar, with asparagine, which is neutral and polar, at codon 56 of the SLC19A1 protein (p.Asp56Asn).

NM_194255.4(SLC19A1):c.166G>A (p.Asp56Asn)

Gene: SLC19A1 (solute carrier family 19 member 1; minus strand). Cytogenetic location: 21q22.3.
Variant type: single nucleotide variant.
Coding change: c.166G>A on transcript NM_194255.4 (MANE Select); coding-DNA position 166, G replaced by A.
Protein change: p.Asp56Asn; replaces aspartic acid 56 with asparagine.
Molecular consequence: missense variant. On other transcripts: 5 prime UTR variant (1).
Genome position (GRCh38, 1-based): chr21:45,537,794, C>T on the plus strand (G>A on the coding strand, the complement: SLC19A1 is on the minus strand). VCF-style: chr21-45537794-C-T. GRCh37 (hg19) VCF-style: chr21-46957708-C-T.
Other names: c.166G>A, p.Asp56Asn (NM_001205206.4, NM_001352511.3, NM_001352512.2); c.-193G>A (NM_001352510.2); short protein forms D56N.
Identifiers: ClinVar variation 2882495 (VCV002882495.2), dbSNP rs146321452, ClinGen allele CA10068735.
Genomic context (GRCh38, chr21:45,537,794, plus strand): 5'-CCACAGGCGGCCGCCCGGCACCCCGGCACCCACATGCCTGCTCCCGCGTGAAGTTCTTGT[C>T]GGGCCCCAGGAGGTAGGGGGTGATGAAGCTCTCCCCTGGCCGTATCTGCGCCATGAAGCC-3'
Protein context (NP_919231.1, residues 46-66): SFITPYLLGP[Asp56Asn]KNFTREQVTN